The following is an entry in ClinVar:

NM_020778.5(ALPK3):c.5115del (p.Ter1706SerextTer?)

Gene: ALPK3 (alpha kinase 3; plus strand). Cytogenetic location: 15q25.3.
Variant type: Deletion.
Coding change: c.5115del on transcript NM_020778.5 (MANE Select); coding-DNA position 5115, one base deleted (G; older notation c.5115delG).
Protein change: p.Ter1706SerextTer?.
Molecular consequence: frameshift variant.
Genome position (GRCh38, 1-based): chr15:84,868,453, G deleted; the last of 2 consecutive G bases (chr15:84,868,452-84,868,453); deleting either gives the same sequence. VCF-style (leftmost placement, unchanged base first): chr15-84868451-CG-C. GRCh37 (hg19) VCF-style: chr15-85411682-CG-C.
Identifiers: ClinVar variation 1379292 (VCV001379292.11), dbSNP rs753251432, ClinGen allele CA7710161.

ClinVar aggregate classification (germline): Uncertain significance. Review status: criteria provided, multiple submitters, no conflicts (2 of 4 stars). 5 submissions from 5 submitters: Uncertain significance (5). Last evaluated 2025-12-03.

Conditions:
ALPK3-related disorder. Also called: ALPK3-related condition.
Cardiomyopathy, familial hypertrophic 27. Identifiers: MedGen C4748014, MONDO:0054838, OMIM 618052.
Cardiovascular phenotype. Identifiers: MedGen CN230736.

Submissions (5):

PreventionGenetics, part of Exact Sciences
Classification: Uncertain significance for ALPK3-related condition. Last evaluated: 2025-12-03. Review status: criteria provided, single submitter. Criteria: ACMG Guidelines, 2015. Collection method: clinical testing. Allele origin: germline.
Comment: The ALPK3 c.5721delG variant is predicted to result in extension of the open reading frame (p.*1908Serext*49). To our knowledge, this variant has not been reported in the literature. This variant is reported in 0.0024% of alleles in individuals of European (Non-Finnish) descent in gnomAD. At this time, the clinical significance of this variant is uncertain due to the absence of conclusive functional and genetic evidence.

Labcorp Genetics (formerly Invitae), Labcorp
Classification: Uncertain significance. Last evaluated: 2025-08-03. Review status: criteria provided, single submitter. Criteria: Invitae Variant Classification Sherloc (09022015). Collection method: clinical testing. Allele origin: germline.
Comment: This sequence change disrupts the translational stop signal of the ALPK3 mRNA. It is expected to extend the length of the ALPK3 protein by 49 additional amino acid residues. This variant is present in population databases (rs753251432, gnomAD 0.002%). This variant has not been reported in the literature in individuals affected with ALPK3-related conditions. ClinVar contains an entry for this variant (Variation ID: 1379292). Experimental studies and prediction algorithms are not available or were not evaluated, and the functional significance of this variant is currently unknown. In summary, the available evidence is currently insufficient to determine the role of this variant in disease. Therefore, it has been classified as a Variant of Uncertain Significance.

GeneDx
Classification: Uncertain significance. Last evaluated: 2024-11-05. Review status: criteria provided, single submitter. Criteria: GeneDx Variant Classification Process June 2021. Collection method: clinical testing. Allele origin: germline. Affected: yes.
Comment: Has not been previously published as pathogenic or benign to our knowledge; Not observed at significant frequency in large population cohorts (gnomAD); Stop codon loss and change to a serine codon, leading to protein extension and the addition of 49 amino acids at the C-terminus

Victorian Clinical Genetics Services, Murdoch Childrens Research Institute
Classification: Uncertain significance for Cardiomyopathy, familial hypertrophic 27. Last evaluated: 2022-02-02. Review status: criteria provided, single submitter. Criteria: ACMG Guidelines, 2015. Collection method: clinical testing. Allele origin: germline. Inheritance: Autosomal recessive inheritance. Affected: yes.
Comment: Based on the classification scheme VCGS_Germline_v1.3.4, this variant is classified as VUS-3B. Following criteria are met: 0102 - Loss of function is a known mechanism of disease in this gene and is associated with familial hypertrophic cardiomyopathy 27 (MIM#618052). (I) 0106 - This gene is associated with autosomal recessive disease. (I) 0208 - Variant is predicted to result in an elongated protein. (SP) 0251 - This variant is heterozygous. (I) 0304 - Variant is present in gnomAD (v2) <0.01 for a recessive condition (3 heterozygotes, 0 homozygotes). (SP) 0705 - No comparable elongated variants have previous evidence for pathogenicity. (I) 0809 - Previous evidence of pathogenicity for this variant is inconclusive. This variant has been reported once as VUS in LOVD. (I) 0905 - No published segregation evidence has been identified for this variant. (I) 1007 - No published functional evidence has been identified for this variant. (I) 1208 - Inheritance information for this variant is not currently available in this individual. (I) Legend: (SP) - Supporting pathogenic, (I) - Information, (SB) - Supporting benign

Ambry Genetics
Classification: Uncertain significance for Cardiovascular phenotype. Last evaluated: 2021-11-17. Review status: criteria provided, single submitter. Criteria: Ambry Variant Classification Scheme 2023. Collection method: clinical testing. Allele origin: germline.
Comment: The c.5721delG variant, located in coding exon 14 of the ALPK3 gene, results from a deletion of one nucleotide at nucleotide position 5721, causing a translational frameshift with a predicted alternate stop codon (p.*1908Sext*49). This alteration disrupts the stop codon of the ALPK3 gene and is predicted to preserve the native sequence while resulting in the elongation of the protein by 49 amino acids. The exact functional effect of the additional amino acids is unknown. Since supporting evidence is limited at this time, the clinical significance of this alteration remains unclear.